The following is an entry in ClinVar:

ClinVar aggregate classification (germline): Uncertain significance (1 of 4 stars; one submission).

gnomAD v4.1: 12 of 1,498,060 alleles (0.0008%); highest among the groups gnomAD compares: African/African-American, 0.013%; no homozygotes.

Submission:

Labcorp Genetics (formerly Invitae), Labcorp
Classification: Uncertain significance. Last evaluated: 2023-12-18. Review status: criteria provided, single submitter. Criteria: Invitae Variant Classification Sherloc (09022015). Collection method: clinical testing. Allele origin: germline.
Comment: This sequence change replaces proline, which is neutral and non-polar, with alanine, which is neutral and non-polar, at codon 46 of the DLX6 protein (p.Pro46Ala). The frequency data for this variant in the population databases is considered unreliable, as metrics indicate poor data quality at this position in the gnomAD database. This variant has not been reported in the literature in individuals affected with DLX6-related conditions. An algorithm developed to predict the effect of missense changes on protein structure and function (PolyPhen-2) suggests that this variant is likely to be tolerated. In summary, the available evidence is currently insufficient to determine the role of this variant in disease. Therefore, it has been classified as a Variant of Uncertain Significance.

NM_005222.4(DLX6):c.136C>G (p.Pro46Ala)

Genes: DLX6 (distal-less homeobox 6; plus strand), DLX6-AS1 (DLX6 antisense RNA 1; minus strand). Cytogenetic location: 7q21.3.
Variant type: single nucleotide variant.
Coding change: c.136C>G on transcript NM_005222.4 (MANE Select); coding-DNA position 136, C replaced by G.
Protein change: p.Pro46Ala; replaces proline 46 with alanine.
Molecular consequence: missense variant.
Genome position (GRCh38, 1-based): chr7:97,006,113, C>G. VCF-style: chr7-97006113-C-G. GRCh37 (hg19) VCF-style: chr7-96635425-C-G.
Other names: short protein forms P46A.
Identifiers: ClinVar variation 2887344 (VCV002887344.3), dbSNP rs1013526388, ClinGen allele CA163003525.
Genomic context (GRCh38, chr7:97,006,113, plus strand): 5'-CAGCAGCAGCAGCAGCAGCAGCAACAGCAGCAGCAGCAGCAGCAGCAACAGCAACAGCCG[C>G]CGCCGCCGCCGCCGCCGCCGCCGCAGCCGCACTCGCAGCAGAGCTCCCCGGCCATGGCAG-3'
Protein context (NP_005213.3, residues 36-56): QQQQQQQQQP[Pro46Ala]PPPPPPPQPH